The following is an entry in ClinVar:

NM_000702.4(ATP1A2):c.1690C>T (p.Arg564Trp)

Gene: ATP1A2 (ATPase Na+/K+ transporting subunit alpha 2; plus strand). Cytogenetic location: 1q23.2.
Variant type: single nucleotide variant.
Coding change: c.1690C>T on transcript NM_000702.4 (MANE Select); coding-DNA position 1690, C replaced by T.
Protein change: p.Arg564Trp; replaces arginine 564 with tryptophan.
Molecular consequence: missense variant.
Genome position (GRCh38, 1-based): chr1:160,130,460, C>T. VCF-style: chr1-160130460-C-T. GRCh37 (hg19) VCF-style: chr1-160100250-C-T.
Other names: p.R564W:CGG>TGG; p.Arg564Trp; short protein forms R564W.
Identifiers: ClinVar variation 204908 (VCV000204908.14), dbSNP rs762330744, ClinGen allele CA313343.

ClinVar aggregate classification (germline): Uncertain significance. Review status: criteria provided, multiple submitters, no conflicts (2 of 4 stars). 6 submissions from 6 submitters: Uncertain significance (6). Last evaluated 2026-03-01.

Conditions:
Inborn genetic diseases. Identifiers: MedGen C0950123, MeSH D030342.
Alternating hemiplegia of childhood 1 (AHC1). Identifiers: Orphanet 2131, MedGen C3549447, MONDO:0007087, OMIM 104290.
Migraine, familial hemiplegic, 2. Identifiers: Orphanet 569, MedGen C1865322, MONDO:0011232, OMIM 602481.
Familial hemiplegic migraine. Identifiers: MedGen C0338484, MONDO:0000700.

Allele frequency attached by ClinVar (database versions not stated): ExAC 0.00001; gnomAD 0.00001; gnomAD exomes 0.00001; TOPMed 0.00001.
gnomAD v4.1: 14 of 1,614,086 alleles (0.00087%); highest among the groups gnomAD compares: East Asian, 0.0022%; no homozygotes.

Submissions (6):

CeGaT Center for Human Genetics Tuebingen
Classification: Uncertain significance. Last evaluated: 2026-03-01. Review status: criteria provided, single submitter. Criteria: CeGaT Center For Human Genetics Tuebingen Variant Classification Criteria Version 2. Collection method: clinical testing. Allele origin: germline. Affected: yes. Observed: 1 variant allele.
Comment: ATP1A2: PM2

Ambry Genetics
Classification: Uncertain significance for Inborn genetic diseases. Last evaluated: 2025-08-09. Review status: criteria provided, single submitter. Criteria: Ambry Variant Classification Scheme 2023. Collection method: clinical testing. Allele origin: germline.

Mayo Clinic Laboratories, Mayo Clinic
Classification: Uncertain significance. Last evaluated: 2024-01-31. Review status: criteria provided, single submitter. Criteria: ACMG Guidelines, 2015. Collection method: clinical testing. Allele origin: germline. Observed: 1 variant allele.
Comment: PP2

Labcorp Genetics (formerly Invitae), Labcorp
Classification: Uncertain significance for Familial hemiplegic migraine. Last evaluated: 2023-12-19. Review status: criteria provided, single submitter. Criteria: Invitae Variant Classification Sherloc (09022015). Collection method: clinical testing. Allele origin: germline.
Comment: This sequence change replaces arginine, which is basic and polar, with tryptophan, which is neutral and slightly polar, at codon 564 of the ATP1A2 protein (p.Arg564Trp). This variant is present in population databases (rs762330744, gnomAD 0.01%). This variant has not been reported in the literature in individuals affected with ATP1A2-related conditions. ClinVar contains an entry for this variant (Variation ID: 204908). Advanced modeling of protein sequence and biophysical properties (such as structural, functional, and spatial information, amino acid conservation, physicochemical variation, residue mobility, and thermodynamic stability) has been performed at Invitae for this missense variant, however the output from this modeling did not meet the statistical confidence thresholds required to predict the impact of this variant on ATP1A2 protein function. In summary, the available evidence is currently insufficient to determine the role of this variant in disease. Therefore, it has been classified as a Variant of Uncertain Significance.

Fulgent Genetics
Classification: Uncertain significance for Alternating hemiplegia of childhood 1; Migraine, familial hemiplegic, 2. Last evaluated: 2018-10-31. Review status: criteria provided, single submitter. Criteria: ACMG Guidelines, 2015. Collection method: clinical testing. Allele origin: unknown.

GeneDx
Classification: Uncertain significance. Last evaluated: 2014-09-09. Review status: criteria provided, single submitter. Criteria: GeneDx Variant Classification (06012015). Collection method: clinical testing. Allele origin: germline. Affected: yes.
Comment: p.Arg564Trp (CGG>TGG): c.1690 C>T in exon 13 of the ATP1A2 gene (NM_000702.3). The R564W variant has not been published as a mutation, nor has it been reported as a benign polymorphism to our knowledge. It was not observed in approximately 6,500 individuals of European and African American ancestry in the NHLBI Exome Sequencing Project, indicating it is not a common benign variant in these populations. The R564W variant is a non-conservative amino acid substitution, which is likely to impact secondary protein structure as these residues differ in polarity, charge, size and/or other properties. In silico analysis predicts this variant is probably damaging to the protein structure/function. However, this substitution occurs at a position that is not conserved across all species in evolution. Additionally, missense mutations in nearby residues have not been reported. Therefore, based on the currently available information, it is unclear whether this variant is a pathogenic mutation or a rare benign variant. The variant is found in EPILEPSY panel(s).